The following is an entry in ClinVar:

ClinVar aggregate classification (germline): Uncertain significance (1 of 4 stars; one submission).

Allele frequency attached by ClinVar (database versions not stated): gnomAD exomes below 0.00001; ExAC 0.00002; TOPMed 0.00002; gnomAD 0.00003; 1000 Genomes Project 30x 0.00016; 1000 Genomes Project 0.00020.
gnomAD v4.1: 5 of 1,613,414 alleles (0.00031%); highest among the groups gnomAD compares: African/African-American, 0.0067%; no homozygotes.

Submission:

Labcorp Genetics (formerly Invitae), Labcorp
Classification: Uncertain significance. Last evaluated: 2022-02-08. Review status: criteria provided, single submitter. Criteria: Invitae Variant Classification Sherloc (09022015). Collection method: clinical testing. Allele origin: germline.
Comment: In summary, the available evidence is currently insufficient to determine the role of this variant in disease. Therefore, it has been classified as a Variant of Uncertain Significance. Algorithms developed to predict the effect of missense changes on protein structure and function (SIFT, PolyPhen-2, Align-GVGD) all suggest that this variant is likely to be disruptive. This variant has not been reported in the literature in individuals affected with DARS-related conditions. This variant is present in population databases (rs201938327, gnomAD 0.01%). This sequence change replaces histidine, which is basic and polar, with aspartic acid, which is acidic and polar, at codon 300 of the DARS protein (p.His300Asp).

NM_001349.4(DARS1):c.898C>G (p.His300Asp)

Gene: DARS1 (aspartyl-tRNA synthetase 1; minus strand). Cytogenetic location: 2q21.3.
Variant type: single nucleotide variant.
Coding change: c.898C>G on transcript NM_001349.4 (MANE Select); coding-DNA position 898, C replaced by G.
Protein change: p.His300Asp; replaces histidine 300 with aspartic acid.
Molecular consequence: missense variant.
Genome position (GRCh38, 1-based): chr2:135,920,514, G>C on the plus strand (C>G on the coding strand, the complement: DARS1 is on the minus strand). VCF-style: chr2-135920514-G-C. GRCh37 (hg19) VCF-style: chr2-136678084-G-C.
Other names: c.598C>G, p.His200Asp (NM_001293312.1); short protein forms H300D, H200D.
Identifiers: ClinVar variation 1920406 (VCV001920406.5), dbSNP rs201938327, ClinGen allele CA1889642.